The following is an entry in ClinVar:

ClinVar aggregate classification (germline): Likely benign (1 of 4 stars; one submission).

Submission:

CeGaT Center for Human Genetics Tuebingen
Classification: Likely benign. Last evaluated: 2026-06-01. Review status: criteria provided, single submitter. Criteria: CeGaT Center For Human Genetics Tuebingen Variant Classification Criteria Version 2. Collection method: clinical testing. Allele origin: germline. Affected: yes. Observed: 1 variant allele.
Comment: AHNAK2: BP4, BP7

NM_138420.4(AHNAK2):c.6660A>G (p.Lys2220=)

Gene: AHNAK2 (AHNAK nucleoprotein 2; minus strand). Cytogenetic location: 14q32.33.
Variant type: single nucleotide variant.
Coding change: c.6660A>G on transcript NM_138420.4 (MANE Select); coding-DNA position 6660, A replaced by G.
Protein change: p.Lys2220=; no amino-acid change (lysine 2220 retained).
Molecular consequence: synonymous variant.
Genome position (GRCh38, 1-based): chr14:104,948,791, T>C on the plus strand (A>G on the coding strand, the complement: AHNAK2 is on the minus strand). VCF-style: chr14-104948791-T-C. GRCh37 (hg19) VCF-style: chr14-105415128-T-C.
Other names: c.6360A>G, p.Lys2120= (NM_001350929.2).
Identifiers: ClinVar variation 4872736 (VCV004872736.2).